The following is an entry in ClinVar:

NM_001126108.2(SLC12A3):c.2900C>T (p.Ser967Phe)

Gene: SLC12A3 (solute carrier family 12 member 3; plus strand). Cytogenetic location: 16q13.
Variant type: single nucleotide variant.
Coding change: c.2900C>T on transcript NM_001126108.2 (MANE Select); coding-DNA position 2900, C replaced by T.
Protein change: p.Ser967Phe; replaces serine 967 with phenylalanine.
Molecular consequence: missense variant.
Genome position (GRCh38, 1-based): chr16:56,904,438, C>T. VCF-style: chr16-56904438-C-T. GRCh37 (hg19) VCF-style: chr16-56938350-C-T.
Other names: c.2927C>T, p.Ser976Phe (NM_000339.3); c.2924C>T, p.Ser975Phe (NM_001126107.2); c.2927C>T (NM_000339.2); short protein forms S967F, S976F, S975F.
Identifiers: ClinVar variation 1459728 (VCV001459728.7), dbSNP rs755475785, ClinGen allele CA8070139.

ClinVar aggregate classification (germline): Pathogenic. Review status: criteria provided, multiple submitters, no conflicts (2 of 4 stars). 3 submissions from 3 submitters: Pathogenic (3). Last evaluated 2025-05-08.

Conditions:
Familial hypokalemia-hypomagnesemia (GTLMNS). Also called: HYPOMAGNESEMIA-HYPOKALEMIA, PRIMARY RENOTUBULAR, WITH HYPOCALCIURIA; POTASSIUM AND MAGNESIUM DEPLETION; gitelman syndrome. Identifiers: Orphanet 358, MedGen C0268450, MONDO:0009904, OMIM 263800.

Allele frequency attached by ClinVar (database versions not stated): ExAC 0.00001; gnomAD exomes 0.00001.
gnomAD v4.1: 5 of 1,613,978 alleles (0.00031%); highest among the groups gnomAD compares: East Asian, 0.011%; no homozygotes.

Submissions (3):

Natera, Inc.
Classification: Pathogenic for Gitelman syndrome. Last evaluated: 2025-05-08. Review status: criteria provided, single submitter. Criteria: Natera Variant Classification Schema (03/2026). Collection method: clinical testing. Allele origin: germline.
Comment: The c.2927C>T variant in SLC12A3 is a missense variant predicted to cause substitution of serine to phenylalanine at amino acid 976. This variant is rare in the general population with a frequency below the threshold expected for the associated phenotype(s). This variant has been observed in one or more individuals affected with the associated recessive disease, as either homozygous or compound heterozygous with a second variant (PMID: 26770037, 26121437). Computational prediction algorithms indicate this variant is likely to affect gene or protein function. Given the available evidence, this variant is classified as Pathogenic.

Labcorp Genetics (formerly Invitae), Labcorp
Classification: Pathogenic. Last evaluated: 2023-05-31. Review status: criteria provided, single submitter. Criteria: Invitae Variant Classification Sherloc (09022015). Collection method: clinical testing. Allele origin: germline.
Comment: For these reasons, this variant has been classified as Pathogenic. Advanced modeling of protein sequence and biophysical properties (such as structural, functional, and spatial information, amino acid conservation, physicochemical variation, residue mobility, and thermodynamic stability) performed at Invitae indicates that this missense variant is expected to disrupt SLC12A3 protein function. ClinVar contains an entry for this variant (Variation ID: 1459728). This variant is also known as Ser967Phe, c.2933C>T. This missense change has been observed in individuals with clinical features of Gitelman syndrome (PMID: 16837915, 17511264, 19508680, 27784896, 30596175). This variant is not present in population databases (gnomAD no frequency). This sequence change replaces serine, which is neutral and polar, with phenylalanine, which is neutral and non-polar, at codon 976 of the SLC12A3 protein (p.Ser976Phe).

3billion
Classification: Pathogenic for Familial hypokalemia-hypomagnesemia. Review status: criteria provided, single submitter. Criteria: ACMG Guidelines, 2015. Collection method: clinical testing. Allele origin: unknown. Affected: yes. Observed: 1 heterozygote.
Comment: The variant is not observed in the gnomAD v2.1.1 dataset. In silico tool predictions suggest damaging effect of the variant on gene or gene product (REVEL: 0.80; 3Cnet: 0.79). Same nucleotide change resulting in same amino acid change has been previously reported as pathogenic/likely pathogenic with strong evidence (ClinVar ID: VCV001459728 / PMID: 30596175). The variant has been observed in multiple (>3) similarly affected unrelated individuals (PMID: 16837915, 17511264, 19508680, 27784896, 30596175). The variant has been reported to be in trans with a pathogenic variant as either compound heterozygous or homozygous in at least one similarly affected unrelated individual (PMID: 27454426, 27784896, 30596175). Therefore, this variant is classified as Pathogenic according to the recommendation of ACMG/AMP guideline.

Literature cited by the submitters: PubMed 26770037 (cited by Natera, Inc.); PubMed 26121437 (cited by Natera, Inc.); PubMed 16837915 (cited by Labcorp Genetics (formerly Invitae), Labcorp and 3billion); PubMed 17511264 (cited by Labcorp Genetics (formerly Invitae), Labcorp and 3billion); PubMed 19508680 (cited by Labcorp Genetics (formerly Invitae), Labcorp and 3billion); PubMed 27784896 (cited by Labcorp Genetics (formerly Invitae), Labcorp and 3billion); PubMed 30596175 (cited by Labcorp Genetics (formerly Invitae), Labcorp and 3billion); PubMed 27454426 (cited by 3billion).